The following is an entry in ClinVar:

ClinVar aggregate classification (germline): Conflicting classifications of pathogenicity. Review status: criteria provided, conflicting classifications (1 of 4 stars). 3 submissions from 3 submitters: Uncertain significance (1); Likely benign (2). Last evaluated 2025-03-17.

Conditions:
Hereditary cancer-predisposing syndrome. Also called: Neoplastic Syndromes, Hereditary; Hereditary Cancer Syndrome; Hereditary neoplastic syndrome; Tumor predisposition. Identifiers: Orphanet 140162, MedGen C0027672, MeSH D009386, MONDO:0015356.
Multiple endocrine neoplasia type 4. Also called: MULTIPLE ENDOCRINE NEOPLASIA, TYPE IV. Identifiers: Orphanet 276152, MedGen C1970712, MONDO:0012552, OMIM 610755.

Allele frequency attached by ClinVar (database versions not stated): gnomAD exomes below 0.00001; ExAC 0.00001.
gnomAD v4.1: 3 of 1,613,994 alleles (0.00019%); highest among the groups gnomAD compares: East Asian, 0.0022%; no homozygotes.

Submissions (3):

Labcorp Genetics (formerly Invitae), Labcorp
Classification: Likely benign for Multiple endocrine neoplasia type 4. Last evaluated: 2025-03-17. Review status: criteria provided, single submitter. Criteria: Invitae Variant Classification Sherloc (09022015). Collection method: clinical testing. Allele origin: germline.

GeneDx
Classification: Uncertain significance. Last evaluated: 2024-01-09. Review status: criteria provided, single submitter. Criteria: GeneDx Variant Classification Process June 2021. Collection method: clinical testing. Allele origin: germline. Affected: yes.
Comment: Not observed at significant frequency in large population cohorts (gnomAD); Has not been previously published as pathogenic or benign to our knowledge; In silico analysis is inconclusive as to whether the variant alters gene splicing. In the absence of RNA/functional studies, the actual effect of this sequence change is unknown.

Ambry Genetics
Classification: Likely benign for Hereditary cancer-predisposing syndrome. Last evaluated: 2022-08-04. Review status: criteria provided, single submitter. Criteria: Ambry Variant Classification Scheme 2023. Collection method: clinical testing. Allele origin: germline.

NM_004064.5(CDKN1B):c.594G>A (p.Thr198=)

Gene: CDKN1B (cyclin dependent kinase inhibitor 1B; plus strand). Cytogenetic location: 12p13.1.
Variant type: single nucleotide variant.
Coding change: c.594G>A on transcript NM_004064.5 (MANE Select); coding-DNA position 594, G replaced by A.
Protein change: p.Thr198=; no amino-acid change (threonine 198 retained).
Molecular consequence: synonymous variant.
Genome position (GRCh38, 1-based): chr12:12,718,943, G>A. VCF-style: chr12-12718943-G-A. GRCh37 (hg19) VCF-style: chr12-12871877-G-A.
Other names: c.594G>A (NM_004064.4).
Identifiers: ClinVar variation 1119024 (VCV001119024.12), dbSNP rs759798627, ClinGen allele CA6457578.